The following is an entry in ClinVar:

ClinVar aggregate classification (germline): Uncertain significance (1 of 4 stars; one submission).

Submission:

GeneDx
Classification: Uncertain significance. Last evaluated: 2017-02-10. Review status: criteria provided, single submitter. Criteria: GeneDx Variant Classification (06012015). Collection method: clinical testing. Allele origin: germline. Affected: yes.
Comment: A variant of uncertain significance has been identified in the PRRT2 gene. The E80G variant has not been published as a pathogenic variant, nor has it been reported as a benign variant to our knowledge. The E80G variant is not observed in large population cohorts (Lek et al., 2016; 1000 Genomes Consortium et al., 2015; Exome Variant Server). The E80G variant is a non-conservative amino acid substitution, which is likely to impact secondary protein structure as these residues differ in polarity, charge, size and/or other properties. However, this substitution occurs at a position that is not conserved. In silico analysis is inconsistent in its predictions as to whether or not the variant is damaging to the protein structure/function. Therefore, based on the currently available information, it is unclear whether this variant is a pathogenic variant or a rare benign variant.

NM_145239.3(PRRT2):c.239A>G (p.Glu80Gly)

Genes: MVP-DT (MVP divergent transcript; minus strand), PRRT2 (proline rich transmembrane protein 2; plus strand). Cytogenetic location: 16p11.2.
Variant type: single nucleotide variant.
Coding change: c.239A>G on transcript NM_145239.3 (MANE Select); coding-DNA position 239, A replaced by G.
Protein change: p.Glu80Gly; replaces glutamic acid 80 with glycine.
Molecular consequence: missense variant.
Genome position (GRCh38, 1-based): chr16:29,813,293, A>G. VCF-style: chr16-29813293-A-G. GRCh37 (hg19) VCF-style: chr16-29824614-A-G.
Other names: c.239A>G, p.Glu80Gly (NM_001256442.2, NM_001256443.2); short protein forms E80G.
Identifiers: ClinVar variation 423511 (VCV000423511.2), dbSNP rs1064796466, ClinGen allele CA16620188.